The following is an entry in ClinVar:

NM_001853.4(COL9A3):c.387C>T (p.Ser129=)

Gene: COL9A3 (collagen type IX alpha 3 chain; plus strand). Cytogenetic location: 20q13.33.
Variant type: single nucleotide variant.
Coding change: c.387C>T on transcript NM_001853.4 (MANE Select); coding-DNA position 387, C replaced by T.
Protein change: p.Ser129=; no amino-acid change (serine 129 retained).
Molecular consequence: synonymous variant.
Genome position (GRCh38, 1-based): chr20:62,821,774, C>T. VCF-style: chr20-62821774-C-T. GRCh37 (hg19) VCF-style: chr20-61453126-C-T.
Other names: c.387C>T (NM_001853.3).
Identifiers: ClinVar variation 1097828 (VCV001097828.11), dbSNP rs529110098, ClinGen allele CA9949228.

ClinVar aggregate classification (germline): Conflicting classifications of pathogenicity. Review status: criteria provided, conflicting classifications (1 of 4 stars). 3 submissions from 3 submitters: Uncertain significance (1); Likely benign (2). Last evaluated 2026-02-15.

Conditions:
Intervertebral disc disorder (IDD). Also called: Lumbar disk degenerative disorder; INTERVERTEBRAL DISC DISEASE. Identifiers: MedGen C0158252, MONDO:0044339, OMIM 603932.
Stickler syndrome, type 6. Also called: Stickler syndrome, type VI; Stickler syndrome, IIa 6. Identifiers: MedGen C5774207, MONDO:0031047, OMIM 620022.
Epiphyseal dysplasia, multiple, 3 (EDM3). Also called: COL9A3-Related Multiple Epiphyseal Dysplasia; Epiphyseal dysplasia, multiple, 3, with or without myopathy. Identifiers: MedGen C1832998, MONDO:0010964, OMIM 600969.
COL9A3-related disorder. Also called: COL9A3-related condition.

Allele frequency attached by ClinVar (database versions not stated): gnomAD exomes 0.00001 and 0.00003; ExAC 0.00004; 1000 Genomes Project 30x 0.00016; 1000 Genomes Project 0.00020.
gnomAD v4.1: 29 of 1,609,904 alleles (0.0018%); highest among the groups gnomAD compares: East Asian, 0.011%; no homozygotes.

Submissions (3):

PreventionGenetics, part of Exact Sciences
Classification: Likely benign for COL9A3-related condition. Last evaluated: 2026-02-15. Review status: criteria provided, single submitter. Criteria: ACMG Guidelines, 2015. Collection method: clinical testing. Allele origin: germline.
Comment: This variant is classified as likely benign based on ACMG/AMP sequence variant interpretation guidelines (Richards et al. 2015 PMID: 25741868, with internal and published modifications).

Labcorp Genetics (formerly Invitae), Labcorp
Classification: Likely benign. Last evaluated: 2025-12-28. Review status: criteria provided, single submitter. Criteria: Invitae Variant Classification Sherloc (09022015). Collection method: clinical testing. Allele origin: germline.

Fulgent Genetics
Classification: Uncertain significance for Epiphyseal dysplasia, multiple, 3; Intervertebral disc disorder; Stickler syndrome, type 6. Last evaluated: 2024-04-29. Review status: criteria provided, single submitter. Criteria: ACMG Guidelines, 2015. Collection method: clinical testing. Allele origin: germline.